The following is an entry in ClinVar:

ClinVar aggregate classification (germline): Pathogenic/Likely pathogenic. Review status: criteria provided, multiple submitters, no conflicts (2 of 4 stars). 5 submissions from 5 submitters: Pathogenic (3); Likely pathogenic (1). 1 of the submissions does not count toward it. Last evaluated 2025-10-01.

Conditions:
8q24.3 microdeletion syndrome. Also called: CHROMOSOME 8q24.3 DELETION SYNDROME; Verheij syndrome. Identifiers: Orphanet 508488, MedGen C3810023, MONDO:0014263, OMIM 615583.

Submissions (5):

CeGaT Center for Human Genetics Tuebingen
Classification: Pathogenic. Last evaluated: 2025-10-01. Review status: criteria provided, single submitter. Criteria: CeGaT Center For Human Genetics Tuebingen Variant Classification Criteria Version 2. Collection method: clinical testing. Allele origin: germline. Affected: yes. Observed: 1 variant allele.
Comment: PUF60: PVS1, PM2

3billion
Classification: Pathogenic for 8q24.3 microdeletion syndrome. Last evaluated: 2021-10-02. Review status: criteria provided, single submitter. Criteria: ACMG Guidelines, 2015. Collection method: clinical testing. Allele origin: unknown. Affected: yes. Observed: 1 heterozygote.
Comment: Frameshift: predicted to result in a loss or disruption of normal protein function through nonsense-mediated decay (NMD) or protein truncation. Multiple pathogenic variants are reported downstream of the variant (PVS1_VS). It is not observed in the gnomAD v2.1.1 dataset (PM2). The variant has been reported as pathogenic (ClinVar ID: VCV000976784.3). Therefore, this variant is classified as pathogenic according to the recommendation of ACMG/AMP guideline.

Institute of Human Genetics, University of Leipzig Medical Center
Classification: Likely pathogenic for 8q24.3 microdeletion syndrome. Last evaluated: 2020-09-07. Review status: criteria provided, single submitter. Criteria: ACMG Guidelines, 2015. Collection method: clinical testing. Allele origin: unknown. Affected: yes.

Centre de Biologie Pathologie Génétique, Centre Hospitalier Universitaire de Lille
Classification: Pathogenic for 8q24.3 microdeletion syndrome. Review status: criteria provided, single submitter. Criteria: ACMG Guidelines, 2015. Collection method: clinical testing. Allele origin: de novo. Affected: yes.

Clinical Genomics Laboratory, Stanford Medicine
Classification: Pathogenic for 8q24.3 microdeletion syndrome. Last evaluated: 2019-12-19. Review status: no assertion criteria provided. Collection method: clinical testing. Allele origin: germline. Inheritance: Autosomal dominant inheritance. Affected: yes. Not counted in ClinVar's aggregate classification.
Comment: This variant was absent from large population databases, including the Genome Aggregation Database. However, the ability to detect this type of variation is limited. This variant results in a 19 bp deletion, which causes a shift in the protein reading frame, leading to a premature termination codon 3 amino acids downstream. Heterozygous loss of function is an established mechanism of disease for the PUF60 gene. Additionally, a different nucleotide change (c.619_637del) resulting in an identical amino change (p.Asn207Profs*3) has been previously reported de novo in an individual with features consistent with Verheij syndrome and is expected to result in a similar disruption to protein function as c.612_630del (Low et al., 2017). These data were assessed using the ACMG/AMP variant interpretation guidelines. In summary, there is sufficient evidence to classify the p.Asn207Profs*3 variant as pathogenic for autosomal dominant Verheij syndrome based on the information above. [ACMG evidence codes used: PVS1, PS1, PS2_moderate, PM2_supporting]

NM_078480.3(PUF60):c.612_630del (p.Asn207fs)

Gene: PUF60 (poly(U) binding splicing factor 60; minus strand). Cytogenetic location: 8q24.3.
Variant type: Deletion.
Coding change: c.612_630del on transcript NM_078480.3 (MANE Select); coding-DNA positions 612 to 630, 19 bases deleted (ACCCAGCAACATAGGGCAG).
Protein change: p.Asn207fs; shifts the reading frame from asparagine 207.
Molecular consequence: frameshift variant.
Genome position (GRCh38, 1-based): chr8:143,818,049-143,818,067, CTGCCCTATGTTGCTGGGT deleted on the plus strand (ACCCAGCAACATAGGGCAG on the coding strand, the reverse complement: PUF60 is on the minus strand); deleting any 19 consecutive bases within chr8:143,818,049-143,818,073 gives the same sequence; the c. name uses the placement nearest the transcript's 3' end. VCF-style (leftmost placement, unchanged base first): chr8-143818048-CCTGCCCTATGTTGCTGGGT-C. GRCh37 (hg19) VCF-style: chr8-144900218-CCTGCCCTATGTTGCTGGGT-C.
Other names: c.483_501del, p.Asn164fs (NM_001136033.3); c.558_576del, p.Asn189fs (NM_001271096.2); c.474_492del, p.Asn161fs (NM_001271097.2); c.609_627del, p.Asn206fs (NM_001271098.2); c.525_543del, p.Asn178fs (NM_001271099.2); c.432_450del, p.Asn147fs (NM_001271100.2); c.723_741del, p.Asn244fs (NM_001362895.2, NM_001362896.2); c.672_690del, p.Asn227fs (NM_001362897.2); and 1 more; short protein forms N147fs, N161fs, N164fs, N178fs, N189fs, N190fs, N206fs, N207fs.
Identifiers: ClinVar variation 976784 (VCV000976784.11), dbSNP rs1816565452, ClinGen allele CA1139660813.